The following is an entry in ClinVar:

NM_000268.4(NF2):c.1595G>T (p.Ser532Ile)

Gene: NF2 (NF2, moesin-ezrin-radixin like (MERLIN) tumor suppressor; plus strand). Cytogenetic location: 22q12.2.
Variant type: single nucleotide variant.
Coding change: c.1595G>T on transcript NM_000268.4 (MANE Select); coding-DNA position 1595, G replaced by T.
Protein change: p.Ser532Ile; replaces serine 532 with isoleucine.
Molecular consequence: missense variant. On other transcripts: intron variant (3).
Genome position (GRCh38, 1-based): chr22:29,681,459, G>T. VCF-style: chr22-29681459-G-T. GRCh37 (hg19) VCF-style: chr22-30077448-G-T.
Other names: c.1595G>T, p.Ser532Ile (NM_181825.3, NM_181832.3, NM_001407066.1 and 1 more transcripts); c.1469G>T, p.Ser490Ile (NM_181828.3, NM_001407055.1); c.1472G>T, p.Ser491Ile (NM_181829.3, NM_001407054.1, NM_001407058.1); c.1346G>T, p.Ser449Ile (NM_181830.3, NM_181831.3, NM_001407063.1); c.1574+3136G>T (NM_001407060.1); c.448-13293G>T (NM_181833.3); c.1325+3136G>T (NM_001407064.1); c.1481G>T, p.Ser494Ile (NM_001407053.1, NM_001407056.1); and 4 more; short protein forms S491I, S354I, S494I, S490I, S446I, S449I, S455I, S487I.
Identifiers: ClinVar variation 4119210 (VCV004119210.1).
Genomic context (GRCh38, chr22:29,681,459, plus strand): 5'-TCTGCCCAAGCCCTGATGCATGATACCCTCTTGCCGGCAGAGTGGAATACATGGAAAAGA[G>T]CAAGCATCTGCAGGAGCAGCTCAATGAACTCAAGACAGAAATCGAGGCCTTGAAACTGAA-3'
Protein context (NP_000259.1, residues 522-542): EKEKVEYMEK[Ser532Ile]KHLQEQLNEL

ClinVar aggregate classification (germline): Uncertain significance (1 of 4 stars; one submission).

Conditions:
Hereditary cancer-predisposing syndrome. Also called: Hereditary neoplastic syndrome; Neoplastic Syndromes, Hereditary; Tumor predisposition; Hereditary Cancer Syndrome. Identifiers: Orphanet 140162, MedGen C0027672, MeSH D009386, MONDO:0015356.

Submission:

Ambry Genetics
Classification: Uncertain significance for Hereditary cancer-predisposing syndrome. Last evaluated: 2025-07-10. Review status: criteria provided, single submitter. Criteria: Ambry Variant Classification Scheme 2023. Collection method: clinical testing. Allele origin: germline.
Comment: The p.S532I variant (also known as c.1595G>T), located in coding exon 15 of the NF2 gene, results from a G to T substitution at nucleotide position 1595. The serine at codon 532 is replaced by isoleucine, an amino acid with dissimilar properties. This amino acid position is conserved. In addition, this alteration is predicted to be deleterious by in silico analysis. Based on the available evidence, the clinical significance of this variant remains unclear.